The following is an entry in ClinVar:

ClinVar aggregate classification (germline): Benign (1 of 4 stars; one submission).

Conditions:
Autosomal recessive osteopetrosis 5. Identifiers: Orphanet 85179, MedGen C1968603, MONDO:0009817, OMIM 259720.

Allele frequency attached by ClinVar (database versions not stated): gnomAD 0.32457 and 0.32980; 1000 Genomes Project 0.34405; TOPMed 0.34413; 1000 Genomes Project 30x 0.35134; gnomAD exomes 0.41667.
gnomAD v4.1: 48,311 of 149,114 alleles (32%); highest among the groups gnomAD compares: Admixed American, 47%; 8,404 homozygotes.

Submission:

Illumina Laboratory Services, Illumina
Classification: Benign for Autosomal recessive osteopetrosis 5. Last evaluated: 2018-01-13. Review status: criteria provided, single submitter. Criteria: ICSL Variant Classification Criteria 13 December 2019. Collection method: clinical testing. Allele origin: germline.
Comment: This variant was observed in the ICSL laboratory as part of a predisposition screen in an ostensibly healthy population. It had not been previously curated by ICSL or reported in the Human Gene Mutation Database (HGMD: prior to June 1st, 2018), and was therefore a candidate for classification through an automated scoring system. Utilizing variant allele frequency, disease prevalence and penetrance estimates, and inheritance mode, an automated score was calculated to assess if this variant is too frequent to cause the disease. Based on the score and internal cut-off values, a variant classified as benign is not then subjected to further curation. The score for this variant resulted in a classification of benign for this disease.

NM_014028.4(OSTM1):c.*2301A>G

Gene: OSTM1 (osteoclastogenesis associated transmembrane protein 1; minus strand). Cytogenetic location: 6q21.
Variant type: single nucleotide variant.
Coding change: c.*2301A>G on transcript NM_014028.4 (MANE Select); 2301 bases downstream of the stop codon, A replaced by G.
Molecular consequence: 3 prime UTR variant.
Genome position (GRCh38, 1-based): chr6:108,042,484, T>C on the plus strand (A>G on the coding strand, the complement: OSTM1 is on the minus strand). VCF-style: chr6-108042484-T-C. GRCh37 (hg19) VCF-style: chr6-108363688-T-C.
Identifiers: ClinVar variation 354946 (VCV000354946.5), dbSNP rs9386700, ClinGen allele CA10625558.
Genomic context (GRCh38, chr6:108,042,484, plus strand): 5'-TTTTTTTTTTGAGACAAGGTCTGGCTCTGTCGCCCAGGTTGGAATGCAGTGGTACAATCT[T>C]GGCTCATTGCAACCTCCACCTCCCGGGCTCAAGACATCCTCCCATCTCAGCCTCCCAAGT-3'